The following is an entry in ClinVar:

NM_182961.4(SYNE1):c.22191+233C>T

Gene: SYNE1 (spectrin repeat containing nuclear envelope protein 1; minus strand). Cytogenetic location: 6q25.2.
Variant type: single nucleotide variant.
Coding change: c.22191+233C>T on transcript NM_182961.4 (MANE Select); 233 bases into the intron after coding-DNA position 22191, C replaced by T.
Molecular consequence: intron variant.
Genome position (GRCh38, 1-based): chr6:152,218,024, G>A on the plus strand (C>T on the coding strand, the complement: SYNE1 is on the minus strand). VCF-style: chr6-152218024-G-A. GRCh37 (hg19) VCF-style: chr6-152539159-G-A.
Other names: c.21978+233C>T (NM_033071.5).
Identifiers: ClinVar variation 672668 (VCV000672668.1), dbSNP rs9479268, ClinGen allele CA150179974.

ClinVar aggregate classification (germline): Benign (1 of 4 stars; one submission).

Allele frequency attached by ClinVar (database versions not stated): 1000 Genomes Project 0.05611; gnomAD 0.05690 and 0.06106; 1000 Genomes Project 30x 0.06027; TOPMed 0.06344.
gnomAD v4.1: 8,546 of 151,914 alleles (5.6%); highest among the groups gnomAD compares: African/African-American, 20%; 818 homozygotes.

Submission:

GeneDx
Classification: Benign. Last evaluated: 2018-06-14. Review status: criteria provided, single submitter. Criteria: GeneDx Variant Classification (06012015). Collection method: clinical testing. Allele origin: germline. Affected: yes.
Comment: This variant is considered likely benign or benign based on one or more of the following criteria: it is a conservative change, it occurs at a poorly conserved position in the protein, it is predicted to be benign by multiple in silico algorithms, and/or has population frequency not consistent with disease.